The following is an entry in ClinVar:

NM_004646.4(NPHS1):c.545A>C (p.Asp182Ala)

Gene: NPHS1 (NPHS1 adhesion molecule, nephrin; minus strand). Cytogenetic location: 19q13.12.
Variant type: single nucleotide variant.
Coding change: c.545A>C on transcript NM_004646.4 (MANE Select); coding-DNA position 545, A replaced by C.
Protein change: p.Asp182Ala; replaces aspartic acid 182 with alanine.
Molecular consequence: missense variant.
Genome position (GRCh38, 1-based): chr19:35,850,427, T>G on the plus strand (A>C on the coding strand, the complement: NPHS1 is on the minus strand). VCF-style: chr19-35850427-T-G. GRCh37 (hg19) VCF-style: chr19-36341329-T-G.
Other names: short protein forms D182A.
Identifiers: ClinVar variation 1404854 (VCV001404854.5), dbSNP rs2146830080, ClinGen allele CA405409413.
Genomic context (GRCh38, chr19:35,850,427, plus strand): 5'-GCTGTGGCCTCCACAGTGAAGAGTTTCTGCTGGGAGCCCTCGTTCACGTTTGCAGAGATG[T>G]CAGATATTGTCTGTCCACCTTGGGGCAGCAAGAGGGCTAGAGGGGTTCCAGGCTCCCCGC-3'
Protein context (NP_004637.1, residues 172-192): TILLSGQTIS[Asp182Ala]ISANVNEGSQ

ClinVar aggregate classification (germline): Uncertain significance (1 of 4 stars; one submission).

Submission:

Labcorp Genetics (formerly Invitae), Labcorp
Classification: Uncertain significance. Last evaluated: 2021-09-01. Review status: criteria provided, single submitter. Criteria: Invitae Variant Classification Sherloc (09022015). Collection method: clinical testing. Allele origin: germline.
Comment: This sequence change replaces aspartic acid with alanine at codon 182 of the NPHS1 protein (p.Asp182Ala). The aspartic acid residue is moderately conserved and there is a moderate physicochemical difference between aspartic acid and alanine. This variant is not present in population databases (ExAC no frequency). This variant has not been reported in the literature in individuals affected with NPHS1-related conditions. Advanced modeling of protein sequence and biophysical properties (such as structural, functional, and spatial information, amino acid conservation, physicochemical variation, residue mobility, and thermodynamic stability) performed at Invitae indicates that this missense variant is not expected to disrupt NPHS1 protein function. In summary, the available evidence is currently insufficient to determine the role of this variant in disease. Therefore, it has been classified as a Variant of Uncertain Significance.